The following is an entry in ClinVar:

ClinVar aggregate classification (germline): Uncertain significance (1 of 4 stars; one submission).

Conditions:
Beckwith-Wiedemann syndrome (BWS). Also called: EMG SYNDROME; Exomphalos macroglossia gigantism syndrome. Identifiers: Orphanet 116, MedGen C0004903, MONDO:0007534, OMIM 130650.

Submission:

Labcorp Genetics (formerly Invitae), Labcorp
Classification: Uncertain significance for Beckwith-Wiedemann syndrome. Last evaluated: 2023-10-04. Review status: criteria provided, single submitter. Criteria: Invitae Variant Classification Sherloc (09022015). Collection method: clinical testing. Allele origin: germline.
Comment: This sequence change replaces alanine, which is neutral and non-polar, with glutamic acid, which is acidic and polar, at codon 219 of the CDKN1C protein (p.Ala219Glu). This variant is not present in population databases (gnomAD no frequency). This variant has not been reported in the literature in individuals affected with CDKN1C-related conditions. Advanced modeling of protein sequence and biophysical properties (such as structural, functional, and spatial information, amino acid conservation, physicochemical variation, residue mobility, and thermodynamic stability) performed at Invitae indicates that this missense variant is not expected to disrupt CDKN1C protein function. In summary, the available evidence is currently insufficient to determine the role of this variant in disease. Therefore, it has been classified as a Variant of Uncertain Significance.

NM_001122630.2(CDKN1C):c.623C>A (p.Ala208Glu)

Gene: CDKN1C (cyclin dependent kinase inhibitor 1C; minus strand). Cytogenetic location: 11p15.4.
Variant type: single nucleotide variant.
Coding change: c.623C>A on transcript NM_001122630.2 (MANE Select); coding-DNA position 623, C replaced by A.
Protein change: p.Ala208Glu; replaces alanine 208 with glutamic acid.
Molecular consequence: missense variant. On other transcripts: intron variant (1).
Genome position (GRCh38, 1-based): chr11:2,884,834, G>T on the plus strand (C>A on the coding strand, the complement: CDKN1C is on the minus strand). VCF-style: chr11-2884834-G-T. GRCh37 (hg19) VCF-style: chr11-2906064-G-T.
Other names: c.656C>A, p.Ala219Glu (NM_000076.2, NM_001362474.2); c.623C>A, p.Ala208Glu (NM_001122631.2); c.255+368C>A (NM_001362475.2); short protein forms A208E, A219E.
Identifiers: ClinVar variation 2765265 (VCV002765265.3), dbSNP rs2494384928, ClinGen allele CA379146053.